The following is an entry in ClinVar:

ClinVar aggregate classification (germline): Uncertain significance (1 of 4 stars; one submission).

Conditions:
Episodic ataxia type 2 (EA2). Also called: CEREBELLAR ATAXIA, PAROXYSMAL, ACETAZOLAMIDE-RESPONSIVE; CEREBELLOPATHY, HEREDITARY PAROXYSMAL; EPISODIC ATAXIA, NYSTAGMUS-ASSOCIATED; ACETAZOLAMIDE-RESPONSIVE HEREDITARY PAROXYSMAL CEREBELLAR ATAXIA; ATAXIA, EPISODIC, WITH NYSTAGMUS; ATAXIA, FAMILIAL PAROXYSMAL. Identifiers: Orphanet 97, MedGen C1720416, MONDO:0007163, OMIM 108500.
Developmental and epileptic encephalopathy, 42 (DEE42A). Also called: Epileptic encephalopathy, early infantile, 42; DEVELOPMENTAL AND EPILEPTIC ENCEPHALOPATHY 42A; EPILEPTIC ENCEPHALOPATHY, EARLY INFANTILE, 42A. Identifiers: MedGen C4310716, MONDO:0014917, OMIM 617106.

Submission:

Labcorp Genetics (formerly Invitae), Labcorp
Classification: Uncertain significance for Developmental and epileptic encephalopathy, 42; Episodic ataxia type 2. Last evaluated: 2022-12-08. Review status: criteria provided, single submitter. Criteria: Invitae Variant Classification Sherloc (09022015). Collection method: clinical testing. Allele origin: germline.
Comment: In summary, the available evidence is currently insufficient to determine the role of this variant in disease. Therefore, it has been classified as a Variant of Uncertain Significance. Advanced modeling of protein sequence and biophysical properties (such as structural, functional, and spatial information, amino acid conservation, physicochemical variation, residue mobility, and thermodynamic stability) performed at Invitae indicates that this missense variant is expected to disrupt CACNA1A protein function. This variant has not been reported in the literature in individuals affected with CACNA1A-related conditions. This variant is not present in population databases (gnomAD no frequency). This sequence change replaces serine, which is neutral and polar, with phenylalanine, which is neutral and non-polar, at codon 207 of the CACNA1A protein (p.Ser207Phe).

NM_001127222.2(CACNA1A):c.620C>T (p.Ser207Phe)

Gene: CACNA1A (calcium voltage-gated channel subunit alpha1 A; minus strand). Cytogenetic location: 19p13.13.
Variant type: single nucleotide variant.
Coding change: c.620C>T on transcript NM_001127222.2 (MANE Select); coding-DNA position 620, C replaced by T.
Protein change: p.Ser207Phe; replaces serine 207 with phenylalanine.
Molecular consequence: missense variant.
Genome position (GRCh38, 1-based): chr19:13,371,699, G>A on the plus strand (C>T on the coding strand, the complement: CACNA1A is on the minus strand). VCF-style: chr19-13371699-G-A. GRCh37 (hg19) VCF-style: chr19-13482513-G-A.
Other names: c.620C>T, p.Ser207Phe (NM_000068.4, NM_001127221.2, NM_001174080.2 and 1 more transcripts); short protein forms S207F.
Identifiers: ClinVar variation 2940503 (VCV002940503.3), dbSNP rs2513200420, ClinGen allele CA404350714.